The following is an entry in ClinVar:

ClinVar aggregate classification (germline): Uncertain significance (1 of 4 stars; one submission).

Conditions:
Genitopatellar syndrome (GTPTS). Also called: ABSENT PATELLAE, SCROTAL HYPOPLASIA, RENAL ANOMALIES, FACIAL DYSMORPHISM, AND MENTAL RETARDATION; Genitopatellar syndrome (GPS). Identifiers: Orphanet 85201, MedGen C1853566, MONDO:0011640, OMIM 606170.

Submission:

Labcorp Genetics (formerly Invitae), Labcorp
Classification: Uncertain significance for Genitopatellar syndrome. Last evaluated: 2022-06-27. Review status: criteria provided, single submitter. Criteria: Invitae Variant Classification Sherloc (09022015). Collection method: clinical testing. Allele origin: germline.
Comment: Algorithms developed to predict the effect of missense changes on protein structure and function (SIFT, PolyPhen-2, Align-GVGD) all suggest that this variant is likely to be tolerated. In summary, the available evidence is currently insufficient to determine the role of this variant in disease. Therefore, it has been classified as a Variant of Uncertain Significance. This variant has not been reported in the literature in individuals affected with KAT6B-related conditions. This variant is not present in population databases (gnomAD no frequency). This sequence change replaces histidine, which is basic and polar, with aspartic acid, which is acidic and polar, at codon 619 of the KAT6B protein (p.His619Asp).

NM_012330.4(KAT6B):c.1855C>G (p.His619Asp)

Gene: KAT6B (lysine acetyltransferase 6B; plus strand). Cytogenetic location: 10q22.2.
Variant type: single nucleotide variant.
Coding change: c.1855C>G on transcript NM_012330.4 (MANE Select); coding-DNA position 1855, C replaced by G.
Protein change: p.His619Asp; replaces histidine 619 with aspartic acid.
Molecular consequence: missense variant. On other transcripts: intron variant (13).
Genome position (GRCh38, 1-based): chr10:74,976,192, C>G. VCF-style: chr10-74976192-C-G. GRCh37 (hg19) VCF-style: chr10-76735950-C-G.
Other names: c.1855C>G, p.His619Asp (NM_001370136.1, NM_001370137.1); c.1117+738C>G (NM_001370139.1, NM_001370140.1, NM_001370141.1 and 3 more transcripts); c.1444+411C>G (NM_001370138.1, NM_001256468.2); c.846+6417C>G (NM_001370133.1); c.193-3032C>G (NM_001370134.1); c.929-1124C>G (NM_001370143.1, NM_001370144.1); c.193-12827C>G (NM_001370135.1); short protein forms H619D.
Identifiers: ClinVar variation 2011573 (VCV002011573.4), dbSNP rs2548956866, ClinGen allele CA377288802.